The following is an entry in ClinVar:

ClinVar aggregate classification (germline): Conflicting classifications of pathogenicity. Review status: criteria provided, conflicting classifications (1 of 4 stars). 3 submissions from 3 submitters: Uncertain significance (1); Likely benign (2). Last evaluated 2024-02-06.

Conditions:
Hereditary nonpolyposis colorectal neoplasms. Identifiers: MedGen C0009405, MeSH D003123.
Hereditary cancer-predisposing syndrome. Also called: Tumor predisposition; Hereditary neoplastic syndrome; Neoplastic Syndromes, Hereditary; Hereditary Cancer Syndrome. Identifiers: Orphanet 140162, MedGen C0027672, MeSH D009386, MONDO:0015356.

Allele frequency attached by ClinVar (database versions not stated): gnomAD 0.00001; TOPMed 0.00001; gnomAD exomes 0.00002; ExAC 0.00003.
gnomAD v4.1: 6 of 1,612,466 alleles (0.00037%); highest among the groups gnomAD compares: East Asian, 0.0089%; no homozygotes.

Submissions (3):

Labcorp Genetics (formerly Invitae), Labcorp
Classification: Uncertain significance for Hereditary nonpolyposis colorectal neoplasms. Last evaluated: 2024-02-06. Review status: criteria provided, single submitter. Criteria: Invitae Variant Classification Sherloc (09022015). Collection method: clinical testing. Allele origin: germline.
Comment: This sequence change falls in intron 1 of the PMS2 gene. It does not directly change the encoded amino acid sequence of the PMS2 protein. It affects a nucleotide within the consensus splice site. This variant is present in population databases (rs779104357, gnomAD 0.03%). This variant has not been reported in the literature in individuals affected with PMS2-related conditions. ClinVar contains an entry for this variant (Variation ID: 382545). Variants that disrupt the consensus splice site are a relatively common cause of aberrant splicing (PMID: 17576681, 9536098). Algorithms developed to predict the effect of sequence changes on RNA splicing suggest that this variant is not likely to affect RNA splicing. In summary, the available evidence is currently insufficient to determine the role of this variant in disease. Therefore, it has been classified as a Variant of Uncertain Significance.

Color Diagnostics, LLC DBA Color Health
Classification: Likely benign for Hereditary cancer-predisposing syndrome. Last evaluated: 2017-11-21. Review status: criteria provided, single submitter. Criteria: ACMG Guidelines, 2015. Collection method: clinical testing. Allele origin: germline.

GeneDx
Classification: Likely benign. Last evaluated: 2015-12-23. Review status: criteria provided, single submitter. Criteria: GeneDx Variant Classification (06012015). Collection method: clinical testing. Allele origin: germline. Affected: yes.
Comment: This variant is considered likely benign or benign based on one or more of the following criteria: it is a conservative change, it occurs at a poorly conserved position in the protein, it is predicted to be benign by multiple in silico algorithms, and/or has population frequency not consistent with disease.

Literature cited by the submitters: PubMed 17576681 (cited by Labcorp Genetics (formerly Invitae), Labcorp); PubMed 9536098 (cited by Labcorp Genetics (formerly Invitae), Labcorp).

NM_000535.7(PMS2):c.23+6C>A

Gene: PMS2 (PMS1 homolog 2, mismatch repair system component; minus strand). Cytogenetic location: 7p22.1.
Variant type: single nucleotide variant.
Coding change: c.23+6C>A on transcript NM_000535.7 (MANE Select); 6 bases into the intron after coding-DNA position 23, C replaced by A.
Molecular consequence: intron variant. On other transcripts: 5 prime UTR variant (2).
Genome position (GRCh38, 1-based): chr7:6,008,991, G>T on the plus strand (C>A on the coding strand, the complement: PMS2 is on the minus strand). VCF-style: chr7-6008991-G-T. GRCh37 (hg19) VCF-style: chr7-6048622-G-T.
Other names: c.-567C>A (NM_001322005.2); c.-562C>A (NM_001322009.2); c.-53+6C>A (NM_001322008.2); c.-243+6C>A (NM_001322010.2, NM_001322004.2); c.-378+6C>A (NM_001322013.2, NM_001322003.2); c.-857+6C>A (NM_001322012.2); c.-457+6C>A (NM_001322015.2); c.-193+6C>A (NM_001322007.2); and 2 more.
Identifiers: ClinVar variation 382545 (VCV000382545.10), dbSNP rs779104357, ClinGen allele CA047907.